The following is an entry in ClinVar:

NM_000978.4(RPL23):c.335T>C (p.Met112Thr)

Gene: RPL23 (ribosomal protein L23; minus strand). Cytogenetic location: 17q12.
Variant type: single nucleotide variant.
Coding change: c.335T>C on transcript NM_000978.4 (MANE Select); coding-DNA position 335, T replaced by C.
Protein change: p.Met112Thr; replaces methionine 112 with threonine.
Molecular consequence: missense variant.
Genome position (GRCh38, 1-based): chr17:38,850,367, A>G on the plus strand (T>C on the coding strand, the complement: RPL23 is on the minus strand). VCF-style: chr17-38850367-A-G. GRCh37 (hg19) VCF-style: chr17-37006620-A-G.
Other names: short protein forms M112T.
Identifiers: ClinVar variation 2164105 (VCV002164105.4), dbSNP rs1331343069, ClinGen allele CA398784601.

ClinVar aggregate classification (germline): Uncertain significance (1 of 4 stars; one submission).

Allele frequency attached by ClinVar (database versions not stated): gnomAD exomes below 0.00001; TOPMed below 0.00001; gnomAD 0.00001.

Submission:

Labcorp Genetics (formerly Invitae), Labcorp
Classification: Uncertain significance. Last evaluated: 2022-03-28. Review status: criteria provided, single submitter. Criteria: Invitae Variant Classification Sherloc (09022015). Collection method: clinical testing. Allele origin: germline.
Comment: In summary, the available evidence is currently insufficient to determine the role of this variant in disease. Therefore, it has been classified as a Variant of Uncertain Significance. Algorithms developed to predict the effect of missense changes on protein structure and function are either unavailable or do not agree on the potential impact of this missense change (SIFT: "Deleterious"; PolyPhen-2: "Benign"; Align-GVGD: "Class C65"). This variant has not been reported in the literature in individuals affected with RPL23-related conditions. This variant is present in population databases (no rsID available, gnomAD 0.01%). This sequence change replaces methionine, which is neutral and non-polar, with threonine, which is neutral and polar, at codon 112 of the RPL23 protein (p.Met112Thr).